The following is an entry in ClinVar:

NM_001010892.3(RSPH4A):c.307G>T (p.Asp103Tyr)

Gene: RSPH4A (radial spoke head component 4A; plus strand). Cytogenetic location: 6q22.1.
Variant type: single nucleotide variant.
Coding change: c.307G>T on transcript NM_001010892.3 (MANE Select); coding-DNA position 307, G replaced by T.
Protein change: p.Asp103Tyr; replaces aspartic acid 103 with tyrosine.
Molecular consequence: missense variant.
Genome position (GRCh38, 1-based): chr6:116,616,930, G>T. VCF-style: chr6-116616930-G-T. GRCh37 (hg19) VCF-style: chr6-116938093-G-T.
Other names: c.307G>T, p.Asp103Tyr (NM_001161664.2); short protein forms D103Y.
Identifiers: ClinVar variation 698793 (VCV000698793.16), dbSNP rs139745647, ClinGen allele CA3970741.

ClinVar aggregate classification (germline): Conflicting classifications of pathogenicity. Review status: criteria provided, conflicting classifications (1 of 4 stars). 3 submissions from 3 submitters: Uncertain significance (1); Benign (1); Likely benign (1). Last evaluated 2026-02-01.

Conditions:
Primary ciliary dyskinesia. Also called: Ciliary dyskinesia. Identifiers: Orphanet 244, MedGen C0008780, MONDO:0016575, HP:0012265.

Allele frequency attached by ClinVar (database versions not stated): ExAC 0.00024; 1000 Genomes Project 0.00060; 1000 Genomes Project 30x 0.00062; gnomAD 0.00063 and 0.00066; ESP Exome Variant Server 0.00077; TOPMed 0.00077; gnomAD exomes 0.00006 and 0.00016.
gnomAD v4.1: 190 of 1,614,180 alleles (0.012%); highest among the groups gnomAD compares: African/African-American, 0.23%; no homozygotes.

Submissions (3):

Labcorp Genetics (formerly Invitae), Labcorp
Classification: Likely benign for Primary ciliary dyskinesia. Last evaluated: 2026-02-01. Review status: criteria provided, single submitter. Criteria: Invitae Variant Classification Sherloc (09022015). Collection method: clinical testing. Allele origin: germline.

GeneDx
Classification: Uncertain significance. Last evaluated: 2024-08-03. Review status: criteria provided, single submitter. Criteria: GeneDx Variant Classification Process June 2021. Collection method: clinical testing. Allele origin: germline. Affected: yes.
Comment: Has not been previously published as pathogenic or benign to our knowledge; In silico analysis supports that this missense variant does not alter protein structure/function

Ambry Genetics
Classification: Benign for Primary ciliary dyskinesia. Last evaluated: 2014-10-08. Review status: criteria provided, single submitter. Criteria: Ambry Variant Classification Scheme 2023. Collection method: clinical testing. Allele origin: germline.